The following is an entry in ClinVar:

ClinVar aggregate classification (germline): Uncertain significance (1 of 4 stars; one submission).

Allele frequency attached by ClinVar (database versions not stated): TOPMed below 0.00001; ExAC 0.00001; gnomAD 0.00001.
gnomAD v4.1: 14 of 1,613,816 alleles (0.00087%); highest among the groups gnomAD compares: East Asian, 0.0089%; no homozygotes.

Submission:

Labcorp Genetics (formerly Invitae), Labcorp
Classification: Uncertain significance. Last evaluated: 2022-05-04. Review status: criteria provided, single submitter. Criteria: Invitae Variant Classification Sherloc (09022015). Collection method: clinical testing. Allele origin: germline.
Comment: Algorithms developed to predict the effect of missense changes on protein structure and function (SIFT, PolyPhen-2, Align-GVGD) all suggest that this variant is likely to be disruptive. In summary, the available evidence is currently insufficient to determine the role of this variant in disease. Therefore, it has been classified as a Variant of Uncertain Significance. This variant has not been reported in the literature in individuals affected with ANGPT1-related conditions. This sequence change replaces arginine, which is basic and polar, with cysteine, which is neutral and slightly polar, at codon 487 of the ANGPT1 protein (p.Arg487Cys). This variant is present in population databases (rs771962601, gnomAD 0.02%).

NM_001146.5(ANGPT1):c.1459C>T (p.Arg487Cys)

Gene: ANGPT1 (angiopoietin 1; minus strand). Cytogenetic location: 8q23.1.
Variant type: single nucleotide variant.
Coding change: c.1459C>T on transcript NM_001146.5 (MANE Select); coding-DNA position 1459, C replaced by T.
Protein change: p.Arg487Cys; replaces arginine 487 with cysteine.
Molecular consequence: missense variant.
Genome position (GRCh38, 1-based): chr8:107,251,893, G>A on the plus strand (C>T on the coding strand, the complement: ANGPT1 is on the minus strand). VCF-style: chr8-107251893-G-A. GRCh37 (hg19) VCF-style: chr8-108264121-G-A.
Other names: c.1456C>T, p.Arg486Cys (NM_001199859.3); c.859C>T, p.Arg287Cys (NM_001314051.2); short protein forms R287C, R487C, R486C.
Identifiers: ClinVar variation 1912696 (VCV001912696.5), dbSNP rs771962601, ClinGen allele CA4841119.